The following is an entry in ClinVar:

NM_182643.3(DLC1):c.2994C>G (p.His998Gln)

Gene: DLC1 (DLC1 Rho GTPase activating protein; minus strand). Cytogenetic location: 8p22.
Variant type: single nucleotide variant.
Coding change: c.2994C>G on transcript NM_182643.3 (MANE Select); coding-DNA position 2994, C replaced by G.
Protein change: p.His998Gln; replaces histidine 998 with glutamine.
Molecular consequence: missense variant.
Genome position (GRCh38, 1-based): chr8:13,098,572, G>C on the plus strand (C>G on the coding strand, the complement: DLC1 is on the minus strand). VCF-style: chr8-13098572-G-C. GRCh37 (hg19) VCF-style: chr8-12956081-G-C.
Other names: c.2994C>G (NM_182643.2); c.1461C>G, p.His487Gln (NM_001164271.2, NM_001348082.2, NM_001348083.1 and 6 more transcripts); c.1785C>G, p.His595Gln (NM_001316668.2, NM_001413129.1); c.2994C>G, p.His998Gln (NM_001348081.2, NM_001413124.1); c.1776C>G, p.His592Gln (NM_001413130.1); c.1434C>G, p.His478Gln (NM_001413131.1, NM_001413137.1); c.1920C>G, p.His640Gln (NM_001413132.1); c.1683C>G, p.His561Gln (NM_001413135.1, NM_001413136.1, NM_001413139.1 and 1 more transcripts); and 1 more; short protein forms H487Q, H561Q, H592Q, H640Q, H478Q, H606Q, H998Q, H595Q.
Identifiers: ClinVar variation 2064487 (VCV002064487.6), dbSNP rs149295187, ClinGen allele CA4638471.
Genomic context (GRCh38, chr8:13,098,572, plus strand): 5'-TAGTGATACAGAGTTGAGGCTTGGCCGATGTGAGCTCTGGAAACTGTGCCATCTCAGTCG[G>C]TGCCTGCGAGAGAAGAGGAGAGGAAAATGAGTGTGAAGCCTTTTTATTTGATTTTATTTA-3'
Protein context (NP_872584.2, residues 988-1008): VGASLTRSNR[His998Gln]RLRWHSFQSS

ClinVar aggregate classification (germline): Uncertain significance. Review status: criteria provided, multiple submitters, no conflicts (2 of 4 stars). 2 submissions from 2 submitters: Uncertain significance (2). Last evaluated 2025-11-18.

Conditions:
DLC1-related disorder. Also called: DLC1-related condition.

Allele frequency attached by ClinVar (database versions not stated): 1000 Genomes Project 30x 0.00031; 1000 Genomes Project 0.00040; gnomAD 0.00045; ESP Exome Variant Server 0.00046; TOPMed 0.00049.
gnomAD v4.1: 773 of 1,613,166 alleles (0.048%); highest among the groups gnomAD compares: Middle Eastern, 0.25%; 3 homozygotes.

Submissions (5):

Labcorp Genetics (formerly Invitae), Labcorp
Classification: Uncertain significance. Last evaluated: 2025-11-18. Review status: criteria provided, single submitter. Criteria: Invitae Variant Classification Sherloc (09022015). Collection method: clinical testing. Allele origin: germline.
Comment: This sequence change replaces histidine, which is basic and polar, with glutamine, which is neutral and polar, at codon 998 of the DLC1 protein (p.His998Gln). This variant is present in population databases (rs149295187, gnomAD 0.07%), and has an allele count higher than expected for a pathogenic variant. This variant has not been reported in the literature in individuals affected with DLC1-related conditions. ClinVar contains an entry for this variant (Variation ID: 2064487). An algorithm developed to predict the effect of missense changes on protein structure and function (PolyPhen-2) suggests that this variant is likely to be tolerated. In summary, the available evidence is currently insufficient to determine the role of this variant in disease. Therefore, it has been classified as a Variant of Uncertain Significance.

PreventionGenetics, part of Exact Sciences
Classification: Uncertain significance for DLC1-related condition. Last evaluated: 2023-03-15. Review status: criteria provided, single submitter. Criteria: ACMG Guidelines, 2015. Collection method: clinical testing. Allele origin: germline.
Comment: The DLC1 c.2994C>G variant is predicted to result in the amino acid substitution p.His998Gln. To our knowledge, this variant has not been reported in the literature. This variant is reported in 0.070% of alleles in individuals of European (Non-Finnish) descent in gnomAD. At this time, the clinical significance of this variant is uncertain due to the absence of conclusive functional and genetic evidence.

Dr. Peter K. Rogan Lab, Western University
No classification provided (evidence only). Condition: Lung cancer. Review status: no classification provided. Collection method: in vitro. Allele origin: not applicable. Functional consequence: retained intron. Not counted in ClinVar's aggregate classification.

Dr. Peter K. Rogan Lab, Western University
No classification provided (evidence only). Condition: Melanoma. Review status: no classification provided. Collection method: in vitro. Allele origin: not applicable. Functional consequence: retained intron. Not counted in ClinVar's aggregate classification.

Dr. Peter K. Rogan Lab, Western University
No classification provided (evidence only). Condition: Familial cancer of breast. Review status: no classification provided. Collection method: in vitro. Allele origin: not applicable. Functional consequence: retained intron. Not counted in ClinVar's aggregate classification.